The following is an entry in ClinVar:

NM_003954.5(MAP3K14):c.2237C>T (p.Ser746Phe)

Genes: MAP3K14 (mitogen-activated protein kinase kinase kinase 14; minus strand), MAP3K14-AS1 (MAP3K14 antisense RNA 1; plus strand), LOC126862575 (CDK7 strongly-dependent group 2 enhancer GRCh37_chr17:43344006-43345205; plus strand). Cytogenetic location: 17q21.31.
Variant type: single nucleotide variant.
Coding change: c.2237C>T on transcript NM_003954.5 (MANE Select); coding-DNA position 2237, C replaced by T.
Protein change: p.Ser746Phe; replaces serine 746 with phenylalanine.
Molecular consequence: missense variant.
Genome position (GRCh38, 1-based): chr17:45,267,495, G>A on the plus strand (C>T on the coding strand, the complement: MAP3K14 is on the minus strand). VCF-style: chr17-45267495-G-A. GRCh37 (hg19) VCF-style: chr17-43344862-G-A.
Other names: short protein forms S746F.
Identifiers: ClinVar variation 862644 (VCV000862644.10), dbSNP rs571831529, ClinGen allele CA8613931.
Genomic context (GRCh38, chr17:45,267,495, plus strand): 5'-GGGACGGTTGCTTTCCGCTCTGGTGAGCTGGGGTTTCTGGCAGGGGCTGGCTCCAGGGAG[G>A]ACAGAGGTAAGGGTTCCCACATCCCAGACTCCTCCTTGCTCAAAGTCAAGGGAGGAGACT-3'
Protein context (NP_003945.2, residues 736-756): ESGMWEPLPL[Ser746Phe]SLEPAPARNP

ClinVar aggregate classification (germline): Uncertain significance (1 of 4 stars; one submission).

Conditions:
NIK deficiency. Also called: Primary immunodeficiency with multifaceted aberrant lymphoid immunity. Identifiers: Orphanet 447731, MedGen C5680065, MONDO:0018642.

Allele frequency attached by ClinVar (database versions not stated): gnomAD 0.00001; gnomAD exomes 0.00004 and 0.00015; ExAC 0.00021; 1000 Genomes Project 0.00040; 1000 Genomes Project 30x 0.00047.
gnomAD v4.1: 58 of 1,612,706 alleles (0.0036%); highest among the groups gnomAD compares: South Asian, 0.059%; no homozygotes.

Submission:

Labcorp Genetics (formerly Invitae), Labcorp
Classification: Uncertain significance for NIK deficiency. Last evaluated: 2025-08-15. Review status: criteria provided, single submitter. Criteria: Invitae Variant Classification Sherloc (09022015). Collection method: clinical testing. Allele origin: germline.
Comment: This sequence change replaces serine, which is neutral and polar, with phenylalanine, which is neutral and non-polar, at codon 746 of the MAP3K14 protein (p.Ser746Phe). This variant is present in population databases (rs571831529, gnomAD 0.1%). This variant has not been reported in the literature in individuals affected with MAP3K14-related conditions. ClinVar contains an entry for this variant (Variation ID: 862644). Experimental studies and prediction algorithms are not available or were not evaluated, and the functional significance of this variant is currently unknown. In summary, the available evidence is currently insufficient to determine the role of this variant in disease. Therefore, it has been classified as a Variant of Uncertain Significance.